The following is an entry in ClinVar:

ClinVar aggregate classification (germline): Uncertain significance. Review status: criteria provided, multiple submitters, no conflicts (2 of 4 stars). 2 submissions from 2 submitters: Uncertain significance (2). Last evaluated 2025-02-17.

gnomAD v4.1: 36 of 1,612,860 alleles (0.0022%); highest among the groups gnomAD compares: Non-Finnish European, 0.003%; no homozygotes.

Submissions (2):

Labcorp Genetics (formerly Invitae), Labcorp
Classification: Uncertain significance. Last evaluated: 2025-02-17. Review status: criteria provided, single submitter. Criteria: Invitae Variant Classification Sherloc (09022015). Collection method: clinical testing. Allele origin: germline.
Comment: This sequence change replaces isoleucine, which is neutral and non-polar, with methionine, which is neutral and non-polar, at codon 414 of the FGFR3 protein (p.Ile414Met). This variant is not present in population databases (gnomAD no frequency). This variant has not been reported in the literature in individuals affected with FGFR3-related conditions. ClinVar contains an entry for this variant (Variation ID: 1309447). Invitae Evidence Modeling of protein sequence and biophysical properties (such as structural, functional, and spatial information, amino acid conservation, physicochemical variation, residue mobility, and thermodynamic stability) indicates that this missense variant is not expected to disrupt FGFR3 protein function with a negative predictive value of 95%. In summary, the available evidence is currently insufficient to determine the role of this variant in disease. Therefore, it has been classified as a Variant of Uncertain Significance.

GeneDx
Classification: Uncertain significance. Last evaluated: 2019-10-16. Review status: criteria provided, single submitter. Criteria: GeneDx Variant Classification Process June 2021. Collection method: clinical testing. Allele origin: germline. Affected: yes.
Comment: Not observed in large population cohorts (Lek et al., 2016); In silico analysis, which includes protein predictors and evolutionary conservation, supports that this variant does not alter protein structure/function; Has not been previously published as pathogenic or benign to our knowledge

NM_000142.5(FGFR3):c.1242C>G (p.Ile414Met)

Gene: FGFR3 (fibroblast growth factor receptor 3; plus strand). Cytogenetic location: 4p16.3.
Variant type: single nucleotide variant.
Coding change: c.1242C>G on transcript NM_000142.5 (MANE Select); coding-DNA position 1242, C replaced by G.
Protein change: p.Ile414Met; replaces isoleucine 414 with methionine.
Molecular consequence: missense variant. On other transcripts: non-coding transcript variant (1), intron variant (1).
Genome position (GRCh38, 1-based): chr4:1,804,496, C>G. VCF-style: chr4-1804496-C-G. GRCh37 (hg19) VCF-style: chr4-1806223-C-G.
Other names: c.1248C>G, p.Ile416Met (NM_001163213.2); c.1242C>G, p.Ile414Met (NM_001354809.2, NM_001354810.2); c.931-328C>G (NM_022965.4); short protein forms I414M, I416M.
Identifiers: ClinVar variation 1309447 (VCV001309447.7), dbSNP rs143094785, ClinGen allele CA355979682.